The following is an entry in ClinVar:

NM_000540.3(RYR1):c.14167C>T (p.Arg4723Cys)

Gene: RYR1 (ryanodine receptor 1; plus strand). Cytogenetic location: 19q13.2.
Variant type: single nucleotide variant.
Coding change: c.14167C>T on transcript NM_000540.3 (MANE Select); coding-DNA position 14167, C replaced by T.
Protein change: p.Arg4723Cys; replaces arginine 4723 with cysteine.
Molecular consequence: missense variant.
Genome position (GRCh38, 1-based): chr19:38,575,956, C>T. VCF-style: chr19-38575956-C-T. GRCh37 (hg19) VCF-style: chr19-39066596-C-T.
Other names: c.14152C>T, p.Arg4718Cys (NM_001042723.2); short protein forms R4723C, R4718C.
Identifiers: ClinVar variation 224404 (VCV000224404.10), dbSNP rs200473035, ClinGen allele CA060917.

ClinVar aggregate classification (germline): Uncertain significance. Review status: criteria provided, multiple submitters, no conflicts (2 of 4 stars). 6 submissions from 6 submitters: Uncertain significance (6). Last evaluated 2025-10-02.

Conditions:
RYR1-related disorder. Also called: RYR1-related disorders; RYR1-related condition. Identifiers: MedGen CN239331.
Malignant hyperthermia, susceptibility to, 1 (MHS1). Also called: Malignant hyperthermia suceptibility 1; RYR1-Related Malignant Hyperthermia Susceptibility; Anesthesia related hyperthermia; Malignant hyperpyrexia; Fulminating hyperpyrexia; Pharmacogenic myopathy. Identifiers: Orphanet 423, MedGen C2930980, MONDO:0007783, OMIM 145600.

Allele frequency attached by ClinVar (database versions not stated): TOPMed below 0.00001; gnomAD 0.00001; ESP Exome Variant Server 0.00008.
gnomAD v4.1: 32 of 1,614,078 alleles (0.002%); highest among the groups gnomAD compares: South Asian, 0.018%; no homozygotes.

Submissions (6):

Labcorp Genetics (formerly Invitae), Labcorp
Classification: Uncertain significance for RYR1-related disorder. Last evaluated: 2025-10-02. Review status: criteria provided, single submitter. Criteria: Invitae Variant Classification Sherloc (09022015). Collection method: clinical testing. Allele origin: germline.
Comment: This sequence change replaces arginine, which is basic and polar, with cysteine, which is neutral and slightly polar, at codon 4723 of the RYR1 protein (p.Arg4723Cys). This variant is present in population databases (rs200473035, gnomAD 0.02%). This missense change has been observed in individual(s) with clinical features of RYR1-related disorders (PMID: 32236737). ClinVar contains an entry for this variant (Variation ID: 224404). Invitae Evidence Modeling of protein sequence and biophysical properties (such as structural, functional, and spatial information, amino acid conservation, physicochemical variation, residue mobility, and thermodynamic stability) indicates that this missense variant is expected to disrupt RYR1 protein function with a positive predictive value of 80%. In summary, the available evidence is currently insufficient to determine the role of this variant in disease. Therefore, it has been classified as a Variant of Uncertain Significance.

Color Diagnostics, LLC DBA Color Health
Classification: Uncertain significance for Malignant hyperthermia, susceptibility to, 1. Last evaluated: 2025-07-01. Review status: criteria provided, single submitter. Criteria: ACMG Guidelines, 2015. Collection method: clinical testing. Allele origin: germline.
Comment: This missense variant replaces arginine with cysteine at codon 4723 of the RYR1 protein. Computational prediction suggests that this variant may have deleterious impact on protein structure and function. To our knowledge, functional studies have not been reported for this variant. This variant has not been reported in individuals affected with RYR1-related disorders in the literature. This variant has been identified in 6/251342 chromosomes in the general population by the Genome Aggregation Database (gnomAD). The available evidence is insufficient to determine the role of this variant in disease conclusively. Therefore, this variant is classified as a Variant of Uncertain Significance.

GeneDx
Classification: Uncertain significance. Last evaluated: 2025-03-03. Review status: criteria provided, single submitter. Criteria: GeneDx Variant Classification Process June 2021. Collection method: clinical testing. Allele origin: germline. Affected: yes.
Comment: In silico analysis supports that this missense variant has a deleterious effect on protein structure/function; This variant is associated with the following publications: (PMID: 20681998, 33767344, 32236737, 22418739)

Revvity Omics, Revvity
Classification: Uncertain significance. Last evaluated: 2023-09-15. Review status: criteria provided, single submitter. Criteria: ACMG Guidelines, 2015. Collection method: clinical testing. Allele origin: germline.

PreventionGenetics, part of Exact Sciences
Classification: Uncertain significance. Last evaluated: 2015-08-05. Review status: criteria provided, single submitter. Criteria: ACMG Guidelines, 2015. Collection method: clinical testing. Allele origin: germline.

Biesecker Lab/Clinical Genomics Section, National Institutes of Health
Classification: Uncertain significance for Malignant hyperthermia, susceptibility to, 1. Last evaluated: 2013-07-01. Review status: criteria provided, single submitter. Criteria: Gonsalves et al. 2013. Collection method: research. Allele origin: unknown. Observed: 1 variant allele. Study: ClinSeq.
Comment: The study set was not selected for affection status in relation to any myopathy. Pathogenicity categories were based on literature curation. See Pubmed ID: 24195946 for details.

Literature cited by the submitters: PubMed 32236737 (cited by Labcorp Genetics (formerly Invitae), Labcorp).